The following is an entry in ClinVar:

NM_004415.4(DSP):c.2320C>T (p.Leu774Phe)

Gene: DSP (desmoplakin; plus strand). Cytogenetic location: 6p24.3.
Variant type: single nucleotide variant.
Coding change: c.2320C>T on transcript NM_004415.4 (MANE Select); coding-DNA position 2320, C replaced by T.
Protein change: p.Leu774Phe; replaces leucine 774 with phenylalanine.
Molecular consequence: missense variant.
Genome position (GRCh38, 1-based): chr6:7,574,679, C>T. VCF-style: chr6-7574679-C-T. GRCh37 (hg19) VCF-style: chr6-7574912-C-T.
Other names: c.2320C>T, p.Leu774Phe (NM_001008844.3, NM_001319034.2); short protein forms L774F.
Identifiers: ClinVar variation 2775284 (VCV002775284.2), dbSNP rs1257755738, ClinGen allele CA362681063.

ClinVar aggregate classification (germline): Uncertain significance (1 of 4 stars; one submission).

Conditions:
Cardiomyopathy (CMYO). Also called: Cardiomyopathies. Identifiers: Orphanet 167848, MedGen C0878544, MONDO:0004994, HP:0001638. Inheritance: Various modes of inheritance.

Allele frequency attached by ClinVar (database versions not stated): TOPMed below 0.00001; gnomAD 0.00001.
gnomAD v4.1: 1 of 1,613,974 alleles (0.000062%); highest among the groups gnomAD compares: Non-Finnish European, 0.000085%; no homozygotes.

Submission:

Color Diagnostics, LLC DBA Color Health
Classification: Uncertain significance for Cardiomyopathy. Last evaluated: 2024-03-07. Review status: criteria provided, single submitter. Criteria: ACMG Guidelines, 2015. Collection method: clinical testing. Allele origin: germline.
Comment: This missense variant replaces leucine with phenylalanine at codon 774 of the DSP protein. Computational prediction suggests that this variant may not impact protein structure and function (internally defined REVEL score threshold <= 0.5, PMID: 27666373). To our knowledge, functional studies have not been reported for this variant. This variant has not been reported in individuals affected with cardiovascular disorders in the literature. This variant has not been identified in the general population by the Genome Aggregation Database (gnomAD). The available evidence is insufficient to determine the role of this variant in disease conclusively. Therefore, this variant is classified as a Variant of Uncertain Significance.